The following is an entry in ClinVar:

NM_006206.6(PDGFRA):c.113T>C (p.Val38Ala)

Gene: PDGFRA (platelet derived growth factor receptor alpha; plus strand). Cytogenetic location: 4q12.
Variant type: single nucleotide variant.
Coding change: c.113T>C on transcript NM_006206.6 (MANE Select); coding-DNA position 113, T replaced by C.
Protein change: p.Val38Ala; replaces valine 38 with alanine.
Molecular consequence: missense variant.
Genome position (GRCh38, 1-based): chr4:54,261,158, T>C. VCF-style: chr4-54261158-T-C. GRCh37 (hg19) VCF-style: chr4-55127325-T-C.
Other names: c.113T>C, p.Val38Ala (NM_001347827.2, NM_001347829.2); c.188T>C, p.Val63Ala (NM_001347828.2); c.152T>C, p.Val51Ala (NM_001347830.2); short protein forms V51A, V38A, V63A.
Identifiers: ClinVar variation 1045872 (VCV001045872.9), dbSNP rs773405650, ClinGen allele CA96847175.
Genomic context (GRCh38, chr4:54,261,158, plus strand): 5'-TGAGCCTAATCCTCTGCCAGCTTTCATTACCCTCTATCCTTCCAAATGAAAATGAAAAGG[T>C]TGTGCAGCTGAATTCATCCTTTTCTCTGAGATGCTTTGGGGAGAGTGAAGTGAGCTGGCA-3'
Protein context (NP_006197.1, residues 28-48): PSILPNENEK[Val38Ala]VQLNSSFSLR

ClinVar aggregate classification (germline): Uncertain significance (1 of 4 stars; one submission).

Conditions:
Gastrointestinal stromal tumor. Also called: Gastrointestinal stromal tumor, somatic; Gastrointestinal stroma tumor. Identifiers: Orphanet 44890, MedGen C0238198, MeSH D046152, MONDO:0011719, OMIM 606764, HP:0100723.

Allele frequency attached by ClinVar (database versions not stated): gnomAD 0.00001.

Submission:

Labcorp Genetics (formerly Invitae), Labcorp
Classification: Uncertain significance for Gastrointestinal stromal tumor. Last evaluated: 2022-03-14. Review status: criteria provided, single submitter. Criteria: Invitae Variant Classification Sherloc (09022015). Collection method: clinical testing. Allele origin: germline.
Comment: In summary, the available evidence is currently insufficient to determine the role of this variant in disease. Therefore, it has been classified as a Variant of Uncertain Significance. Algorithms developed to predict the effect of missense changes on protein structure and function (SIFT, PolyPhen-2, Align-GVGD) all suggest that this variant is likely to be tolerated. This sequence change replaces valine, which is neutral and non-polar, with alanine, which is neutral and non-polar, at codon 38 of the PDGFRA protein (p.Val38Ala). This variant is not present in population databases (gnomAD no frequency). This variant has not been reported in the literature in individuals affected with PDGFRA-related conditions. ClinVar contains an entry for this variant (Variation ID: 1045872).